The following is an entry in ClinVar:

ClinVar aggregate classification (germline): Pathogenic. Review status: criteria provided, multiple submitters, no conflicts (2 of 4 stars). 3 submissions from 3 submitters: Pathogenic (3). Last evaluated 2023-09-26.

Conditions:
Hereditary breast ovarian cancer syndrome. Also called: Hereditary breast and ovarian cancer syndrome; Hereditary breast and ovarian cancer syndrome (HBOC); Hereditary breast and/or ovarian cancer syndrome; Hereditary breast and ovarian cancer; Breast and ovarian cancer; BRCA1- and BRCA2-Associated Hereditary Breast and Ovarian Cancer. Identifiers: Orphanet 145, MedGen C0677776, MeSH D061325, MONDO:0003582. Disease mechanism: loss of function.
BRCA2-related disorder. Also called: BRCA2-related condition; BRCA2-related disorders. Identifiers: MedGen CN239275.

Submissions (3):

Women's Health and Genetics/Laboratory Corporation of America, LabCorp
Classification: Pathogenic for Hereditary breast ovarian cancer syndrome. Last evaluated: 2023-09-26. Review status: criteria provided, single submitter. Criteria: LabCorp Variant Classification Summary - May 2015. Collection method: clinical testing. Allele origin: germline.
Comment: Variant summary: BRCA2 c.809delC (p.Ser270X) results in a premature termination codon, predicted to cause a truncation of the encoded protein or absence of the protein due to nonsense mediated decay, which are commonly known mechanisms for disease. Variants downstream of this position have been classified as pathogenic by our laboratory. The variant was absent in 244806 control chromosomes (gnomAD). To our knowledge, no occurrence of c.809delC in individuals affected with Hereditary Breast And Ovarian Cancer Syndrome and no experimental evidence demonstrating its impact on protein function have been reported. No submitters have cited clinical-significance assessments for this variant to ClinVar after 2014. Based on the evidence outlined above, the variant was classified as pathogenic.

Labcorp Genetics (formerly Invitae), Labcorp
Classification: Pathogenic for Hereditary breast ovarian cancer syndrome. Last evaluated: 2023-07-25. Review status: criteria provided, single submitter. Criteria: Invitae Variant Classification Sherloc (09022015). Collection method: clinical testing. Allele origin: germline.
Comment: For these reasons, this variant has been classified as Pathogenic. This premature translational stop signal has been observed in individual(s) with breast and/or ovarian cancer (PMID: 30702160). This variant is not present in population databases (gnomAD no frequency). This sequence change creates a premature translational stop signal (p.Ser270*) in the BRCA2 gene. It is expected to result in an absent or disrupted protein product. Loss-of-function variants in BRCA2 are known to be pathogenic (PMID: 20104584).

Blueprint Genetics
Classification: Pathogenic for BRCA2-related disorders. Last evaluated: 2021-05-03. Review status: criteria provided, single submitter. Criteria: ACMG Guidelines, 2015. Collection method: clinical testing. Allele origin: germline. Affected: yes. Observed: 1 variant allele.

Literature cited by the submitters: PubMed 32988965 (cited by Women's Health and Genetics/Laboratory Corporation of America, LabCorp); PubMed 30702160 (cited by Labcorp Genetics (formerly Invitae), Labcorp); PubMed 20104584 (cited by Labcorp Genetics (formerly Invitae), Labcorp).

NM_000059.4(BRCA2):c.809del (p.Thr269_Ser270insTer)

Gene: BRCA2 (BRCA2 DNA repair associated; plus strand). Cytogenetic location: 13q13.1.
Variant type: Deletion.
Coding change: c.809del on transcript NM_000059.4 (MANE Select); coding-DNA position 809, one base deleted (C; older notation c.809delC).
Protein change: p.Thr269_Ser270insTer.
Molecular consequence: nonsense. On other transcripts: non-coding transcript variant (1), intron variant (1).
Genome position (GRCh38, 1-based): chr13:32,332,287, C deleted. VCF-style (leftmost placement, unchanged base first): chr13-32332286-TC-T. GRCh37 (hg19) VCF-style: chr13-32906423-TC-T.
Other names: c.809del, p.Thr269_Ser270insTer (NM_001406719.1, NM_001406720.1, NM_001406721.1); c.424+1257del (NM_001406722.1).
Identifiers: ClinVar variation 2627314 (VCV002627314.5), dbSNP rs2548518840, ClinGen allele CA2582341826.